The following is an entry in ClinVar:

ClinVar aggregate classification (germline): Pathogenic. Review status: criteria provided, multiple submitters, no conflicts (2 of 4 stars). 2 submissions from 2 submitters: Pathogenic (2). Last evaluated 2025-12-17.

Conditions:
Hereditary cancer-predisposing syndrome. Also called: Neoplastic Syndromes, Hereditary; Tumor predisposition; Hereditary Cancer Syndrome; Hereditary neoplastic syndrome. Identifiers: Orphanet 140162, MedGen C0027672, MeSH D009386, MONDO:0015356.
Oligodontia-cancer predisposition syndrome. Also called: TOOTH AGENESIS-COLORECTAL CANCER SYNDROME. Identifiers: Orphanet 300576, MedGen C1837750, MONDO:0012075, OMIM 608615. Disease mechanism: loss of function.

Allele frequency attached by ClinVar (database versions not stated): gnomAD exomes below 0.00001.

Submissions (2):

Ambry Genetics
Classification: Pathogenic for Hereditary cancer-predisposing syndrome. Last evaluated: 2025-12-17. Review status: criteria provided, single submitter. Criteria: Ambry Variant Classification Scheme 2023. Collection method: clinical testing. Allele origin: germline.
Comment: The c.1659delG variant, located in coding exon 5 of the AXIN2 gene, results from a deletion of one nucleotide at nucleotide position 1659, causing a translational frameshift with a predicted alternate stop codon (p.K554Nfs*135). This variant is considered to be rare based on population cohorts in the Genome Aggregation Database (gnomAD). This alteration is expected to result in loss of function by premature protein truncation or nonsense-mediated mRNA decay. As such, this alteration is interpreted as a disease-causing mutation.

Labcorp Genetics (formerly Invitae), Labcorp
Classification: Pathogenic for Oligodontia-cancer predisposition syndrome. Last evaluated: 2025-02-23. Review status: criteria provided, single submitter. Criteria: Invitae Variant Classification Sherloc (09022015). Collection method: clinical testing. Allele origin: germline.
Comment: This sequence change creates a premature translational stop signal (p.Lys554Asnfs*135) in the AXIN2 gene. It is expected to result in an absent or disrupted protein product. Loss-of-function variants in AXIN2 are known to be pathogenic (PMID: 15042511, 21416598). This variant is not present in population databases (gnomAD no frequency). This variant has not been reported in the literature in individuals affected with AXIN2-related conditions. ClinVar contains an entry for this variant (Variation ID: 1459586). For these reasons, this variant has been classified as Pathogenic.

Literature cited by the submitters: PubMed 15042511 (cited by Labcorp Genetics (formerly Invitae), Labcorp); PubMed 21416598 (cited by Labcorp Genetics (formerly Invitae), Labcorp).

NM_004655.4(AXIN2):c.1659del (p.Lys554fs)

Gene: AXIN2 (axin 2; minus strand). Cytogenetic location: 17q24.1.
Variant type: Deletion.
Coding change: c.1659del on transcript NM_004655.4 (MANE Select); coding-DNA position 1659, one base deleted (G; older notation c.1659delG).
Protein change: p.Lys554fs; shifts the reading frame from lysine 554.
Molecular consequence: frameshift variant.
Genome position (GRCh38, 1-based): chr17:65,537,377, C deleted on the plus strand (G on the coding strand, the reverse complement: AXIN2 is on the minus strand). VCF-style (leftmost placement, unchanged base first): chr17-65537376-TC-T. GRCh37 (hg19) VCF-style: chr17-63533494-TC-T.
Other names: c.1659del, p.Lys554fs (NM_001363813.1); c.1659delG (NM_004655.3); short protein forms K554fs.
Identifiers: ClinVar variation 1459586 (VCV001459586.7), dbSNP rs2144456730, ClinGen allele CA2573154683.